The following is an entry in ClinVar:

NM_001376571.1(MADD):c.3559A>G (p.Met1187Val)

Gene: MADD (MAP kinase activating death domain; plus strand). Cytogenetic location: 11p11.2.
Variant type: single nucleotide variant.
Coding change: c.3559A>G on transcript NM_001376571.1 (MANE Select); coding-DNA position 3559, A replaced by G.
Protein change: p.Met1187Val; replaces methionine 1187 with valine.
Molecular consequence: missense variant. On other transcripts: non-coding transcript variant (8), intron variant (1).
Genome position (GRCh38, 1-based): chr11:47,295,538, A>G. VCF-style: chr11-47295538-A-G. GRCh37 (hg19) VCF-style: chr11-47317089-A-G.
Other names: c.3214A>G, p.Met1072Val (NM_001376650.1); c.3316A>G, p.Met1106Val (NM_001376651.1, NM_001376652.1, NM_001376653.1 and 13 more transcripts); c.3172A>G, p.Met1058Val (NM_001376654.1, NM_001376646.1, NM_001376635.1); c.3295A>G, p.Met1099Val (NM_001376657.1); c.3268A>G, p.Met1090Val (NM_001376658.1); c.3559A>G, p.Met1187Val (NM_130475.3, NM_001376572.1, NM_001376573.1 and 4 more transcripts); c.3445A>G, p.Met1149Val (NM_130476.3, NM_001376579.1, NM_001376580.1 and 7 more transcripts); c.3273+1555A>G (NM_001376661.1); and 18 more; short protein forms M1058V, M1072V, M1076V, M1119V, M1149V, M1158V, M1169V, M1118V.
Identifiers: ClinVar variation 3869491 (VCV003869491.2).

ClinVar aggregate classification (germline): Uncertain significance. Review status: criteria provided, multiple submitters, no conflicts (2 of 4 stars). 2 submissions from 2 submitters: Uncertain significance (2). Last evaluated 2025-06-24.

Conditions:
Inborn genetic diseases. Identifiers: MedGen C0950123, MeSH D030342.

Submissions (2):

GeneDx
Classification: Uncertain significance. Last evaluated: 2025-06-24. Review status: criteria provided, single submitter. Criteria: GeneDx Variant Classification Process June 2021. Collection method: clinical testing. Allele origin: germline. Affected: yes.
Comment: In silico analysis suggests that this missense variant does not alter protein structure/function; Has not been previously published as pathogenic or benign to our knowledge

Ambry Genetics
Classification: Uncertain significance for Inborn genetic diseases. Last evaluated: 2025-01-22. Review status: criteria provided, single submitter. Criteria: Ambry Variant Classification Scheme 2023. Collection method: clinical testing. Allele origin: germline.